The following is an entry in ClinVar:

ClinVar aggregate classification (germline): Likely benign. Review status: reviewed by expert panel (3 of 4 stars). 4 submissions from 4 submitters: Likely benign (1). 3 of the submissions do not count toward it. Last evaluated 2017-06-29.

Conditions:
BRCA2-related cancer predisposition. Identifiers: MedGen CN377758, MONDO:0700269.
Hereditary cancer-predisposing syndrome. Also called: Tumor predisposition; Neoplastic Syndromes, Hereditary; Hereditary Cancer Syndrome; Hereditary neoplastic syndrome. Identifiers: Orphanet 140162, MedGen C0027672, MeSH D009386, MONDO:0015356.
Breast-ovarian cancer, familial, susceptibility to, 2 (BROVCA2). Also called: BRCA2 Hereditary Breast and Ovarian Cancer. Identifiers: Orphanet 145, MedGen C2675520, MONDO:0012933, OMIM 612555. Disease mechanism: loss of function.

Submissions (4):

Evidence-based Network for the Interpretation of Germline Mutant Alleles (ENIGMA)
Classification: Likely benign for Breast-ovarian cancer, familial, susceptibility to, 2. Last evaluated: 2017-06-29. Review status: reviewed by expert panel. Criteria: ENIGMA BRCA1/2 Classification Criteria (2017-06-29). Collection method: curation. Allele origin: germline.
Comment: Synonymous substitution variant, with low bioinformatic likelihood to result in a splicing aberration (Splicing prior probability 0.02).

All of Us Research Program, National Institutes of Health
Classification: Likely benign for BRCA2-related cancer predisposition. Last evaluated: 2024-05-30. Review status: criteria provided, single submitter. Criteria: ACMG Guidelines, 2015. Collection method: clinical testing. Allele origin: germline. Inheritance: Autosomal dominant inheritance. Observed: 1 variant allele, 1 heterozygote. Not counted in ClinVar's aggregate classification.
Comment: This study involves interpretation of variants in research participants for the purpose of population health screening. Participant phenotype was not available at the time of variant classification. Additional details can be found in publication PMID: 35346344, PMCID: PMC8962531

CeGaT Center for Human Genetics Tuebingen
Classification: Likely benign. Last evaluated: 2020-11-01. Review status: criteria provided, single submitter. Criteria: CeGaT Center For Human Genetics Tuebingen Variant Classification Criteria Version 2. Collection method: clinical testing. Allele origin: germline. Affected: yes. Observed: 1 variant allele. Not counted in ClinVar's aggregate classification.

Ambry Genetics
Classification: Likely benign for Hereditary cancer-predisposing syndrome. Last evaluated: 2014-06-17. Review status: criteria provided, single submitter. Criteria: Ambry Variant Classification Scheme 2023. Collection method: clinical testing. Allele origin: germline. Not counted in ClinVar's aggregate classification.

NM_000059.4(BRCA2):c.10116T>G (p.Ala3372=)

Gene: BRCA2 (BRCA2 DNA repair associated; plus strand). Cytogenetic location: 13q13.1.
Variant type: single nucleotide variant.
Coding change: c.10116T>G on transcript NM_000059.4 (MANE Select); coding-DNA position 10116, T replaced by G.
Protein change: p.Ala3372=; no amino-acid change (alanine 3372 retained).
Molecular consequence: synonymous variant.
Genome position (GRCh38, 1-based): chr13:32,398,629, T>G. VCF-style: chr13-32398629-T-G. GRCh37 (hg19) VCF-style: chr13-32972766-T-G.
Identifiers: ClinVar variation 185235 (VCV000185235.46), dbSNP rs786202020, ClinGen allele CA010296.